The following is an entry in ClinVar:

NM_152309.3(PIK3AP1):c.53C>T (p.Pro18Leu)

Gene: PIK3AP1 (phosphoinositide-3-kinase adaptor protein 1; minus strand). Cytogenetic location: 10q24.1.
Variant type: single nucleotide variant.
Coding change: c.53C>T on transcript NM_152309.3 (MANE Select); coding-DNA position 53, C replaced by T.
Protein change: p.Pro18Leu; replaces proline 18 with leucine.
Molecular consequence: missense variant.
Genome position (GRCh38, 1-based): chr10:96,709,944, G>A on the plus strand (C>T on the coding strand, the complement: PIK3AP1 is on the minus strand). VCF-style: chr10-96709944-G-A. GRCh37 (hg19) VCF-style: chr10-98469701-G-A.
Other names: short protein forms P18L.
Identifiers: ClinVar variation 2875351 (VCV002875351.3), dbSNP rs373505645, ClinGen allele CA5626620.

ClinVar aggregate classification (germline): Uncertain significance (1 of 4 stars; one submission).

Conditions:
Infantile spasms. Also called: Infantile spasm. Identifiers: MedGen C3887898, HP:0012469.

Allele frequency attached by ClinVar (database versions not stated): gnomAD 0.00001; gnomAD exomes 0.00001; ExAC 0.00002; TOPMed 0.00002; ESP Exome Variant Server 0.00008.
gnomAD v4.1: 11 of 1,602,568 alleles (0.00069%); highest among the groups gnomAD compares: Middle Eastern, 0.033%; no homozygotes.

Submission:

Labcorp Genetics (formerly Invitae), Labcorp
Classification: Uncertain significance for Infantile spasms. Last evaluated: 2023-10-03. Review status: criteria provided, single submitter. Criteria: Invitae Variant Classification Sherloc (09022015). Collection method: clinical testing. Allele origin: germline.
Comment: This sequence change replaces proline, which is neutral and non-polar, with leucine, which is neutral and non-polar, at codon 18 of the PIK3AP1 protein (p.Pro18Leu). This variant is present in population databases (rs373505645, gnomAD 0.01%). This variant has not been reported in the literature in individuals affected with PIK3AP1-related conditions. Algorithms developed to predict the effect of missense changes on protein structure and function output the following: SIFT: "Not Available"; PolyPhen-2: "Benign"; Align-GVGD: "Not Available". The leucine amino acid residue is found in multiple mammalian species, which suggests that this missense change does not adversely affect protein function. In summary, the available evidence is currently insufficient to determine the role of this variant in disease. Therefore, it has been classified as a Variant of Uncertain Significance.